The following is an entry in ClinVar:

NM_004168.4(SDHA):c.346G>A (p.Glu116Lys)

Gene: SDHA (succinate dehydrogenase complex flavoprotein subunit A; plus strand). Cytogenetic location: 5p15.33.
Variant type: single nucleotide variant.
Coding change: c.346G>A on transcript NM_004168.4 (MANE Select); coding-DNA position 346, G replaced by A.
Protein change: p.Glu116Lys; replaces glutamic acid 116 with lysine.
Molecular consequence: missense variant. On other transcripts: intron variant (1).
Genome position (GRCh38, 1-based): chr5:225,452, G>A. VCF-style: chr5-225452-G-A. GRCh37 (hg19) VCF-style: chr5-225567-G-A.
Other names: c.346G>A, p.Glu116Lys (NM_001330758.2); c.313-431G>A (NM_001294332.2); short protein forms E116K.
Identifiers: ClinVar variation 3438701 (VCV003438701.3).

ClinVar aggregate classification (germline): Uncertain significance. Review status: criteria provided, multiple submitters, no conflicts (2 of 4 stars). 2 submissions from 2 submitters: Uncertain significance (2). Last evaluated 2024-10-07.

Conditions:
Hereditary cancer-predisposing syndrome. Also called: Neoplastic Syndromes, Hereditary; Tumor predisposition; Hereditary Cancer Syndrome; Hereditary neoplastic syndrome. Identifiers: Orphanet 140162, MedGen C0027672, MeSH D009386, MONDO:0015356.
Mitochondrial complex II deficiency, nuclear type 1. Also called: SUCCINATE CoQ REDUCTASE DEFICIENCY. Identifiers: Orphanet 3208, MedGen C5700310, MONDO:0100294, OMIM 252011.
Pheochromocytoma/paraganglioma syndrome 5. Also called: Paragangliomas 5; SDHA-Related Hereditary Paraganglioma-Pheochromocytoma Syndrome. Identifiers: Orphanet 29072, MedGen C3279992, MONDO:0013602, OMIM 614165.

gnomAD v4.1: 2 of 1,613,136 alleles (0.00012%); highest among the groups gnomAD compares: Non-Finnish European, 0.00017%; no homozygotes.

Submissions (2):

Ambry Genetics
Classification: Uncertain significance for Hereditary cancer-predisposing syndrome. Last evaluated: 2024-10-07. Review status: criteria provided, single submitter. Criteria: Ambry Variant Classification Scheme 2023. Collection method: clinical testing. Allele origin: germline.
Comment: The p.E116K variant (also known as c.346G>A), located in coding exon 4 of the SDHA gene, results from a G to A substitution at nucleotide position 346. The glutamic acid at codon 116 is replaced by lysine, an amino acid with similar properties. This amino acid position is not well conserved in available vertebrate species. In addition, this alteration is predicted to be tolerated by in silico analysis. Based on the available evidence, the clinical significance of this variant remains unclear.

Labcorp Genetics (formerly Invitae), Labcorp
Classification: Uncertain significance for Pheochromocytoma/paraganglioma syndrome 5; Mitochondrial complex II deficiency, nuclear type 1. Last evaluated: 2024-07-02. Review status: criteria provided, single submitter. Criteria: Invitae Variant Classification Sherloc (09022015). Collection method: clinical testing. Allele origin: germline.
Comment: This sequence change replaces glutamic acid, which is acidic and polar, with lysine, which is basic and polar, at codon 116 of the SDHA protein (p.Glu116Lys). This variant is not present in population databases (gnomAD no frequency). This variant has not been reported in the literature in individuals affected with SDHA-related conditions. Advanced modeling of protein sequence and biophysical properties (such as structural, functional, and spatial information, amino acid conservation, physicochemical variation, residue mobility, and thermodynamic stability) performed at Invitae indicates that this missense variant is not expected to disrupt SDHA protein function with a negative predictive value of 95%. In summary, the available evidence is currently insufficient to determine the role of this variant in disease. Therefore, it has been classified as a Variant of Uncertain Significance.